The following is an entry in ClinVar:

NM_001267550.2(TTN):c.98098+3G>A

Genes: TTN (titin; minus strand), TTN-AS1 (TTN antisense RNA 1; plus strand). Cytogenetic location: 2q31.2.
Variant type: single nucleotide variant.
Coding change: c.98098+3G>A on transcript NM_001267550.2 (MANE Select); 3 bases into the intron after coding-DNA position 98098, G replaced by A.
Molecular consequence: intron variant.
Genome position (GRCh38, 1-based): chr2:178,540,065, C>T on the plus strand (G>A on the coding strand, the complement: TTN is on the minus strand). VCF-style: chr2-178540065-C-T. GRCh37 (hg19) VCF-style: chr2-179404792-C-T.
Other names: c.70903+3G>A (NM_003319.4); c.71479+3G>A (NM_133437.4); c.71278+3G>A (NM_133432.3); c.90394+3G>A (NM_133378.4); c.93175+3G>A (NM_001256850.1).
Identifiers: ClinVar variation 282305 (VCV000282305.38), dbSNP rs556524594, ClinGen allele CA1986444.

ClinVar aggregate classification (germline): Conflicting classifications of pathogenicity. Review status: criteria provided, conflicting classifications (1 of 4 stars). 7 submissions from 7 submitters: Uncertain significance (3); Benign (1); Likely benign (3). Last evaluated 2024-06-10.

Conditions:
Cardiovascular phenotype. Identifiers: MedGen CN230736.
Autosomal recessive limb-girdle muscular dystrophy type 2J (LGMDR10). Also called: Limb-girdle muscular dystrophy, type 2J; MUSCULAR DYSTROPHY, LIMB-GIRDLE, AUTOSOMAL RECESSIVE 10. Identifiers: Orphanet 140922, MedGen C1837342, MONDO:0012127, OMIM 608807.
Dilated cardiomyopathy 1G (CMD1G). Identifiers: Orphanet 154, MedGen C1858763, MONDO:0011400, OMIM 604145.

Allele frequency attached by ClinVar (database versions not stated): gnomAD 0.00003 and 0.00004; gnomAD exomes 0.00004 and 0.00012; ExAC 0.00011; TOPMed 0.00015; 1000 Genomes Project 30x 0.00016; 1000 Genomes Project 0.00020.
gnomAD v4.1: 66 of 1,597,168 alleles (0.0041%); highest among the groups gnomAD compares: East Asian, 0.14%; no homozygotes.

Submissions (7):

Revvity Omics, Revvity
Classification: Uncertain significance. Last evaluated: 2024-06-10. Review status: criteria provided, single submitter. Criteria: ACMG Guidelines, 2015. Collection method: clinical testing. Allele origin: germline.

Women's Health and Genetics/Laboratory Corporation of America, LabCorp
Classification: Benign. Last evaluated: 2024-03-12. Review status: criteria provided, single submitter. Criteria: LabCorp Variant Classification Summary - May 2015. Collection method: clinical testing. Allele origin: germline.
Comment: Variant summary: TTN c.90394+3G>A alters a conserved nucleotide located close to a canonical splice site and therefore could affect mRNA splicing, leading to a significantly altered protein sequence. Consensus agreement among computation tools predict no significant impact on normal splicing. However, these predictions have yet to be confirmed by functional studies. The variant allele was found at a frequency of 0.00012 in 237840 control chromosomes, predominantly at a frequency of 0.0016 within the East Asian subpopulation in the gnomAD database. The observed variant frequency within East Asian control individuals in the gnomAD database is approximately 4-fold of the estimated maximal expected allele frequency for a pathogenic variant in TTN causing Dilated Cardiomyopathy phenotype (0.00039), strongly suggesting that the variant is a benign polymorphism found primarily in populations of East Asian origin. c.90394+3G>A has been reported in the literature in individuals affected with HCM as well as in the controls in a case-control study (Zhang_2017). These report(s) do not provide unequivocal conclusions about association of the variant with Dilated Cardiomyopathy. To our knowledge, no experimental evidence demonstrating an impact on protein function has been reported. The following publication have been ascertained in the context of this evaluation (PMID: 28822653). ClinVar contains an entry for this variant (Variation ID: 282305). Based on the evidence outlined above, the variant was classified as benign.

CeGaT Center for Human Genetics Tuebingen
Classification: Likely benign. Last evaluated: 2022-09-01. Review status: criteria provided, single submitter. Criteria: CeGaT Center For Human Genetics Tuebingen Variant Classification Criteria Version 2. Collection method: clinical testing. Allele origin: germline. Affected: yes. Observed: 1 variant allele.
Comment: TTN: BP4

Ambry Genetics
Classification: Likely benign for Cardiovascular phenotype. Last evaluated: 2019-07-24. Review status: criteria provided, single submitter. Criteria: Ambry Variant Classification Scheme 2023. Collection method: clinical testing. Allele origin: germline.

Labcorp Genetics (formerly Invitae), Labcorp
Classification: Uncertain significance for Dilated cardiomyopathy 1G; Autosomal recessive limb-girdle muscular dystrophy type 2J. Last evaluated: 2016-05-10. Review status: criteria provided, single submitter. Criteria: Invitae Variant Classification Sherloc (09022015). Collection method: clinical testing. Allele origin: germline.

GeneDx
Classification: Likely benign. Last evaluated: 2016-03-12. Review status: criteria provided, single submitter. Criteria: GeneDx Variant Classification (06012015). Collection method: clinical testing. Allele origin: germline. Affected: yes.
Comment: This variant is considered likely benign or benign based on one or more of the following criteria: it is a conservative change, it occurs at a poorly conserved position in the protein, it is predicted to be benign by multiple in silico algorithms, and/or has population frequency not consistent with disease.

Eurofins Ntd Llc (ga)
Classification: Uncertain significance. Last evaluated: 2015-09-10. Review status: criteria provided, single submitter. Criteria: EGL Classification Definitions 2015. Collection method: clinical testing. Allele origin: germline. Observed: 1 variant allele, 1 heterozygote.

Literature cited by the submitters: PubMed 28822653 (cited by Women's Health and Genetics/Laboratory Corporation of America, LabCorp and Ambry Genetics).